The following is an entry in ClinVar:

ClinVar aggregate classification (germline): Uncertain significance (1 of 4 stars; one submission).

Submission:

GeneDx
Classification: Uncertain significance. Last evaluated: 2023-02-28. Review status: criteria provided, single submitter. Criteria: GeneDx Variant Classification Process June 2021. Collection method: clinical testing. Allele origin: germline. Affected: yes.
Comment: Not observed at significant frequency in large population cohorts (gnomAD); In silico analysis supports that this missense variant has a deleterious effect on protein structure/function; Has not been previously published as pathogenic or benign to our knowledge

NM_001128840.3(CACNA1D):c.3074T>C (p.Leu1025Pro)

Gene: CACNA1D (calcium voltage-gated channel subunit alpha1 D; plus strand). Cytogenetic location: 3p21.1.
Variant type: single nucleotide variant.
Coding change: c.3074T>C on transcript NM_001128840.3 (MANE Select); coding-DNA position 3074, T replaced by C.
Protein change: p.Leu1025Pro; replaces leucine 1025 with proline.
Molecular consequence: missense variant.
Genome position (GRCh38, 1-based): chr3:53,745,691, T>C. VCF-style: chr3-53745691-T-C. GRCh37 (hg19) VCF-style: chr3-53779718-T-C.
Other names: c.3134T>C, p.Leu1045Pro (NM_000720.4); c.3074T>C, p.Leu1025Pro (NM_001128839.3); short protein forms L1025P, L1045P.
Identifiers: ClinVar variation 2578040 (VCV002578040.1), dbSNP rs2473939569, ClinGen allele CA353246444.